The following is an entry in ClinVar:

ClinVar aggregate classification (germline): Uncertain significance (1 of 4 stars; one submission).

Submission:

Ambry Genetics
Classification: Uncertain significance. Last evaluated: 2025-06-07. Review status: criteria provided, single submitter. Criteria: Ambry Variant Classification Scheme 2023. Collection method: clinical testing. Allele origin: germline.
Comment: The p.V168M variant (also known as c.502G>A), located in coding exon 5 of the KIF1B gene, results from a G to A substitution at nucleotide position 502. The valine at codon 168 is replaced by methionine, an amino acid with highly similar properties. This amino acid position is conserved. In addition, this alteration is predicted to be deleterious by in silico analysis. Based on the available evidence, the clinical significance of this variant remains unclear.

NM_001365951.3(KIF1B):c.502G>A (p.Val168Met)

Gene: KIF1B (kinesin family member 1B; plus strand). Cytogenetic location: 1p36.22.
Variant type: single nucleotide variant.
Coding change: c.502G>A on transcript NM_001365951.3 (MANE Select); coding-DNA position 502, G replaced by A.
Protein change: p.Val168Met; replaces valine 168 with methionine.
Molecular consequence: missense variant.
Genome position (GRCh38, 1-based): chr1:10,267,452, G>A. VCF-style: chr1-10267452-G-A. GRCh37 (hg19) VCF-style: chr1-10327510-G-A.
Other names: c.502G>A, p.Val168Met (NM_001365952.1, NM_001365953.1, NM_015074.3 and 1 more transcripts); short protein forms V168M.
Identifiers: ClinVar variation 4043061 (VCV004043061.1).